The following is an entry in ClinVar:

ClinVar aggregate classification (germline): Pathogenic/Likely pathogenic. Review status: criteria provided, multiple submitters, no conflicts (2 of 4 stars). 6 submissions from 6 submitters: Pathogenic (1); Likely pathogenic (4). 1 of the submissions does not count toward it. Last evaluated 2024-06-19.

Conditions:
Cerebellar ataxia, brain abnormalities, and cardiac conduction defects. Identifiers: Orphanet 641361, MedGen C5562005, MONDO:0859200, OMIM 619576.

Allele frequency attached by ClinVar (database versions not stated): gnomAD 0.00006; gnomAD exomes 0.00006 and 0.00008; TOPMed 0.00007; ExAC 0.00008.
gnomAD v4.1: 96 of 1,560,200 alleles (0.0062%); highest among the groups gnomAD compares: Admixed American, 0.021%; no homozygotes.

Submissions (6):

3billion
Classification: Likely pathogenic for Cerebellar ataxia, brain abnormalities, and cardiac conduction defects. Last evaluated: 2024-06-19. Review status: criteria provided, single submitter. Criteria: ACMG Guidelines, 2015. Collection method: clinical testing. Allele origin: germline. Affected: yes.
Comment: The variant is observed at an extremely low frequency in the gnomAD v4.0.0 dataset (total allele frequency: 0.006%). Predicted Consequence/Location: Missense variant The same nucleotide change resulting in the same amino acid change has been previously reported as pathogenic/likely pathogenic with strong evidence (ClinVar ID: VCV001300244 /PMID: 29302074). Therefore, this variant is classified as Likely pathogenic according to the recommendation of ACMG/AMP guideline.

Laboratorio de Genetica e Diagnostico Molecular, Hospital Israelita Albert Einstein
Classification: Likely pathogenic for Cerebellar ataxia, brain abnormalities, and cardiac conduction defects. Last evaluated: 2023-08-21. Review status: criteria provided, single submitter. Criteria: ACMG Guidelines, 2015. Collection method: clinical testing. Allele origin: germline. Affected: yes.
Comment: ACMG classification criteria: PS3 supporting, PM2 supporting, PM3 strong, PP1 moderate

Mendelics
Classification: Likely pathogenic for Cerebellar ataxia, brain abnormalities, and cardiac conduction defects. Last evaluated: 2022-05-04. Review status: criteria provided, single submitter. Criteria: Mendelics Assertion Criteria 2019. Collection method: clinical testing. Allele origin: germline.

SIB Swiss Institute of Bioinformatics
Classification: Likely pathogenic for Cerebellar ataxia, brain abnormalities, and cardiac conduction defects. Last evaluated: 2022-04-19. Review status: criteria provided, single submitter. Criteria: ACMG Guidelines, 2015. Collection method: curation. Allele origin: unknown.
Comment: This variant is interpreted as likely pathogenic for Cerebellar ataxia, brain abnormalities, and cardiac conduction defects, autosomal recessive. The following ACMG Tag(s) were applied: Absent from controls (or at extremely low frequency if recessive) in Exome Sequencing Project, 1000 Genomes Project, or Exome Aggregation Consortium (PM2); Cosegregation with disease in multiple affected family members in a gene definitively known to cause the disease (PP1 upgraded to moderate); For recessive disorders, detected in trans with a pathogenic variant (PM3); Multiple lines of computational evidence support a deleterious effect on the gene or gene product (PP3); Well-established functional studies show a deleterious effect (PS3 downgraded to supporting).

Baylor Genetics
Classification: Pathogenic for Cerebellar ataxia, brain abnormalities, and cardiac conduction defects. Last evaluated: 2022-03-03. Review status: criteria provided, single submitter. Criteria: ACMG Guidelines, 2015. Collection method: clinical testing. Allele origin: unknown.

OMIM
Classification: Pathogenic for CEREBELLAR ATAXIA, BRAIN ABNORMALITIES, AND CARDIAC CONDUCTION DEFECTS. Last evaluated: 2021-10-21. Review status: no assertion criteria provided. Collection method: literature only. Allele origin: germline. Not counted in ClinVar's aggregate classification.

Literature cited by the submitters: PubMed 29302074 (cited by 3billion and OMIM); PubMed 30950035 (cited by SIB Swiss Institute of Bioinformatics and OMIM); PubMed 32504085 (cited by SIB Swiss Institute of Bioinformatics and OMIM); PubMed 34089229 (cited by SIB Swiss Institute of Bioinformatics and OMIM).

NM_020158.4(EXOSC5):c.341C>T (p.Thr114Ile)

Gene: EXOSC5 (exosome component 5; minus strand). Cytogenetic location: 19q13.2.
Variant type: single nucleotide variant.
Coding change: c.341C>T on transcript NM_020158.4 (MANE Select); coding-DNA position 341, C replaced by T.
Protein change: p.Thr114Ile; replaces threonine 114 with isoleucine.
Molecular consequence: missense variant.
Genome position (GRCh38, 1-based): chr19:41,391,884, G>A on the plus strand (C>T on the coding strand, the complement: EXOSC5 is on the minus strand). VCF-style: chr19-41391884-G-A. GRCh37 (hg19) VCF-style: chr19-41897789-G-A.
Other names: T114I.
Identifiers: ClinVar variation 1300244 (VCV001300244.6), dbSNP rs542429051, ClinGen allele CA9460797.
Genomic context (GRCh38, chr19:41,391,884, plus strand): 5'-CCTGGCAGAAAGGATACAGAGCCGGCATCGCTGACAACCTGCAGCACCACGGTGATGGAG[G>A]TGCGGGGGTGCAACGTGCCCAGCACCACCGCCTCGCACGTGTTCCTGATCAGCCGCTCCC-3'
Protein context (NP_064543.3, residues 104-124): AVVLGTLHPR[Thr114Ile]SITVVLQVVS